The following is an entry in ClinVar:

NM_001145715.3(KPNA7):c.1440C>A (p.Asn480Lys)

Gene: KPNA7 (karyopherin subunit alpha 7; minus strand). Cytogenetic location: 7q22.1.
Variant type: single nucleotide variant.
Coding change: c.1440C>A on transcript NM_001145715.3 (MANE Select); coding-DNA position 1440, C replaced by A.
Protein change: p.Asn480Lys; replaces asparagine 480 with lysine.
Molecular consequence: missense variant.
Genome position (GRCh38, 1-based): chr7:99,177,944, G>T on the plus strand (C>A on the coding strand, the complement: KPNA7 is on the minus strand). VCF-style: chr7-99177944-G-T. GRCh37 (hg19) VCF-style: chr7-98775567-G-T.
Other names: short protein forms N480K.
Identifiers: ClinVar variation 2116594 (VCV002116594.4), dbSNP rs2535344729, ClinGen allele CA368417069.

ClinVar aggregate classification (germline): Uncertain significance (1 of 4 stars; one submission).

Submission:

Labcorp Genetics (formerly Invitae), Labcorp
Classification: Uncertain significance. Last evaluated: 2022-03-24. Review status: criteria provided, single submitter. Criteria: Invitae Variant Classification Sherloc (09022015). Collection method: clinical testing. Allele origin: germline.
Comment: In summary, the available evidence is currently insufficient to determine the role of this variant in disease. Therefore, it has been classified as a Variant of Uncertain Significance. Algorithms developed to predict the effect of missense changes on protein structure and function output the following: SIFT: "Tolerated"; PolyPhen-2: "Benign"; Align-GVGD: "Class C0". The lysine amino acid residue is found in multiple mammalian species, which suggests that this missense change does not adversely affect protein function. This sequence change replaces asparagine, which is neutral and polar, with lysine, which is basic and polar, at codon 480 of the KPNA7 protein (p.Asn480Lys). This variant is not present in population databases (gnomAD no frequency). This variant has not been reported in the literature in individuals affected with KPNA7-related conditions.